The following is an entry in ClinVar:

NM_005629.4(SLC6A8):c.11A>G (p.Lys4Arg)

Gene: SLC6A8 (solute carrier family 6 member 8; plus strand). Cytogenetic location: Xq28.
Variant type: single nucleotide variant.
Coding change: c.11A>G on transcript NM_005629.4 (MANE Select); coding-DNA position 11, A replaced by G.
Protein change: p.Lys4Arg; replaces lysine 4 with arginine.
Molecular consequence: missense variant.
Genome position (GRCh38, 1-based): chrX:153,688,585, A>G. VCF-style: chrX-153688585-A-G. GRCh37 (hg19) VCF-style: chrX-152954040-A-G.
Other names: NM_005629.4(SLC6A8):c.11A>G; p.Lys4Arg; c.11A>G, p.Lys4Arg (NM_001142805.2); short protein forms K4R.
Identifiers: ClinVar variation 2138757 (VCV002138757.6), dbSNP rs1190261367, ClinGen allele CA415075865.

ClinVar aggregate classification (germline): Uncertain significance. Review status: reviewed by expert panel (3 of 4 stars). 3 submissions from 3 submitters: Uncertain significance (1). 2 of the submissions do not count toward it. Last evaluated 2024-01-11.

Conditions:
Creatine transporter deficiency (CCDS1). Also called: Mental retardation , X-linked with seizures, short stature and midface hypoplasia; Mental retardation , X-linked, with creatine transport deficiency; X-linked creatine transporter deficiency; X-linked creatine deficiency syndrome; Creatine Transporter (CRTR) Deficiency; SLC6A8-Related Creatine Transporter Deficiency. Identifiers: Orphanet 52503, MedGen C1845862, MONDO:0010305, OMIM 300352.

Allele frequency attached by ClinVar (database versions not stated): gnomAD exomes below 0.00001; gnomAD 0.00001.
gnomAD v4.1: 2 of 1,034,610 alleles (0.00019%); highest among the groups gnomAD compares: African/African-American, 0.0021%; no homozygotes.

Submissions (3):

ClinGen Cerebral Creatine Deficiency Syndromes Variant Curation Expert Panel, ClinGen
Classification: Uncertain significance for Creatine transporter deficiency. Last evaluated: 2024-01-11. Review status: reviewed by expert panel. Criteria: ClinGen_CCDS_ACMG_Specifications_SLC6A8_v1.1. Collection method: curation. Allele origin: germline. Inheritance: X-linked inheritance.
Comment: The NM_005629.4:c.11A>G variant in SLC6A8 is predicted to result in the missense substitution of lysine by arginine at amino acid 4 (p.Lys4Arg). Results of urine creatine level, creatine level on brain MRS, and creatine uptake studies are not available. There is insufficient evidence to apply PP4. The variant is absent in gnomAD v2.1.1. (PM2_Supporting). When the variant was expressed in SLC6A8-deficient fibroblasts and creatine uptake was measured, the variant was reported to be non-pathogenic (Table 2). Compared to empty vector, expression of the variant increased creatine transport about 5 times, and expression of wild type SLC6A8 increased creatine transport about 6 times. However, because the assay was performed with 500uM creatine, and not <125uM (as required by the ClinGen CCDS VCEP), BS3 is not met. The computational predictor REVEL gives a score of 0.085 which is below the threshold of 0.2, evidence that does not predict a damaging effect on SLC6A8 function (BP4). In summary, the variant meets the criteria to be classified as a variant of uncertain significance for creatine transporter deficiency. SLC6A8-specific ACMG/AMP codes applied, as specified by the ClinGen CCDS VCEP: PM2_Supporting, BP4. (Classification approved by the ClinGen CCDS VCEP on January 11, 2024)

Myriad Genetics, Inc.
Classification: Uncertain significance for Creatine transporter deficiency. Last evaluated: 2025-09-18. Review status: criteria provided, single submitter. Criteria: Myriad Autosomal Dominant, Autosomal Recessive and X-Linked Classification Criteria (2023). Collection method: clinical testing. Allele origin: unknown. Not counted in ClinVar's aggregate classification.
Comment: NM_005629.3(SLC6A8):c.11A>G(K4R) is a missense variant classified as a variant of uncertain significance in the context of creatine transporter deficiency. K4R has not been observed in cases with relevant disease. Relevant functional assessments of this variant are available in the literature (PMID: 17465020, 38070861). K4R has not been observed in referenced population frequency databases. In summary, there is insufficient evidence to classify NM_005629.3(SLC6A8):c.11A>G(K4R) as pathogenic or benign. Please note: this variant was assessed in the context of healthy population screening.

Labcorp Genetics (formerly Invitae), Labcorp
Classification: Uncertain significance for Creatine transporter deficiency. Last evaluated: 2022-10-10. Review status: criteria provided, single submitter. Criteria: Invitae Variant Classification Sherloc (09022015). Collection method: clinical testing. Allele origin: germline. Not counted in ClinVar's aggregate classification.
Comment: Advanced modeling of protein sequence and biophysical properties (such as structural, functional, and spatial information, amino acid conservation, physicochemical variation, residue mobility, and thermodynamic stability) performed at Invitae indicates that this missense variant is not expected to disrupt SLC6A8 protein function. In summary, the available evidence is currently insufficient to determine the role of this variant in disease. Therefore, it has been classified as a Variant of Uncertain Significance. Experimental studies have shown that this missense change affects SLC6A8 function (PMID: 17465020). This missense change has been observed in individual(s) with creatine transporter deficiency (PMID: 16738945). This variant is not present in population databases (gnomAD no frequency). This sequence change replaces lysine, which is basic and polar, with arginine, which is basic and polar, at codon 4 of the SLC6A8 protein (p.Lys4Arg).

Literature cited by the submitters: PubMed 17465020 (cited by Myriad Genetics, Inc. and Labcorp Genetics (formerly Invitae), Labcorp); PubMed 38070861 (cited by Myriad Genetics, Inc.); PubMed 16738945 (cited by Labcorp Genetics (formerly Invitae), Labcorp).